The following is an entry in ClinVar:

ClinVar aggregate classification (germline): Conflicting classifications of pathogenicity. Review status: criteria provided, conflicting classifications (1 of 4 stars). 2 submissions from 1 submitter: Uncertain significance (1); Benign (1). Last evaluated 2018-01-12.

Conditions:
Familial hyperthyroidism due to mutations in TSH receptor. Also called: HYPERTHYROIDISM, CONGENITAL NONAUTOIMMUNE; HYPERTHYROIDISM, NONAUTOIMMUNE, AUTOSOMAL DOMINANT; TOXIC THYROID HYPERPLASIA, AUTOSOMAL DOMINANT. Identifiers: Orphanet 424, MedGen C1836706, MONDO:0012203, OMIM 609152.
Hypothyroidism due to TSH receptor mutations. Also called: HYPOTHYROIDISM DUE TO UNRESPONSIVENESS TO THYROTROPIN; HYPOTHYROIDISM, CONGENITAL, DUE TO TSH RESISTANCE; HYPOTHYROIDISM, NONAUTOIMMUNE; THYROID-STIMULATING HORMONE, RESISTANCE TO; TSH RESISTANCE; Hypothyroidism, congenital, nongoitrous, 1. Identifiers: Orphanet 90673, MedGen C3493776, MONDO:0010142, OMIM 275200.

Allele frequency attached by ClinVar (database versions not stated): gnomAD exomes 0.00037; TOPMed 0.00053; 1000 Genomes Project 0.00120; 1000 Genomes Project 30x 0.00141.
gnomAD v4.1: 79 of 193,424 alleles (0.041%); highest among the groups gnomAD compares: East Asian, 0.31%; no homozygotes.

Submissions (2):

Illumina Laboratory Services, Illumina
Classification: Uncertain significance for Hypothyroidism due to TSH receptor mutations. Last evaluated: 2018-01-12. Review status: criteria provided, single submitter. Criteria: ICSL Variant Classification Criteria 13 December 2019. Collection method: clinical testing. Allele origin: germline.

Illumina Laboratory Services, Illumina
Classification: Benign for Familial hyperthyroidism due to mutations in TSH receptor. Last evaluated: 2018-01-12. Review status: criteria provided, single submitter. Criteria: ICSL Variant Classification Criteria 13 December 2019. Collection method: clinical testing. Allele origin: germline.
Comment: This variant was observed in the ICSL laboratory as part of a predisposition screen in an ostensibly healthy population. It had not been previously curated by ICSL or reported in the Human Gene Mutation Database (HGMD: prior to June 1st, 2018), and was therefore a candidate for classification through an automated scoring system. Utilizing variant allele frequency, disease prevalence and penetrance estimates, and inheritance mode, an automated score was calculated to assess if this variant is too frequent to cause the disease. Based on the score and internal cut-off values, a variant classified as benign is not then subjected to further curation. The score for this variant resulted in a classification of benign for this disease.

NM_000369.5(TSHR):c.*1946C>T

Genes: TSHR (thyroid stimulating hormone receptor; plus strand), TSHR-AS1 (TSHR antisense RNA 1; minus strand). Cytogenetic location: 14q31.1.
Variant type: single nucleotide variant.
Coding change: c.*1946C>T on transcript NM_000369.5 (MANE Select); 1946 bases downstream of the stop codon, C replaced by T.
Molecular consequence: 3 prime UTR variant.
Genome position (GRCh38, 1-based): chr14:81,146,299, C>T. VCF-style: chr14-81146299-C-T. GRCh37 (hg19) VCF-style: chr14-81612643-C-T.
Identifiers: ClinVar variation 314726 (VCV000314726.5), dbSNP rs187891791, ClinGen allele CA10645170.